The following is an entry in ClinVar:

NM_012470.4(TNPO3):c.2452C>T (p.Arg818Trp)

Gene: TNPO3 (transportin 3; minus strand). Cytogenetic location: 7q32.1.
Variant type: single nucleotide variant.
Coding change: c.2452C>T on transcript NM_012470.4 (MANE Select); coding-DNA position 2452, C replaced by T.
Protein change: p.Arg818Trp; replaces arginine 818 with tryptophan.
Molecular consequence: missense variant. On other transcripts: non-coding transcript variant (18).
Genome position (GRCh38, 1-based): chr7:128,970,294, G>A on the plus strand (C>T on the coding strand, the complement: TNPO3 is on the minus strand). VCF-style: chr7-128970294-G-A. GRCh37 (hg19) VCF-style: chr7-128610348-G-A.
Other names: c.2260C>T, p.Arg754Trp (NM_001191028.3, NM_001382223.1); c.2554C>T, p.Arg852Trp (NM_001382216.1); c.2533C>T, p.Arg845Trp (NM_001382217.1); c.2452C>T, p.Arg818Trp (NM_001382218.1); c.2344C>T, p.Arg782Trp (NM_001382219.1); c.2311C>T, p.Arg771Trp (NM_001382220.1); c.2308C>T, p.Arg770Trp (NM_001382221.1); c.2305C>T, p.Arg769Trp (NM_001382222.1); and 1 more; short protein forms R818W, R754W, R769W, R770W, R771W, R782W, R845W, R852W.
Identifiers: ClinVar variation 499013 (VCV000499013.10), dbSNP rs570772653, ClinGen allele CA166242800.
Genomic context (GRCh38, chr7:128,970,294, plus strand): 5'-GCAGCTGGCTGACAAGCTGCTGTCCAAGCTGGTTCATCACCTGTCCAATCAGTTCTTTCC[G>A]TAATTCAAAGTCTTCTTCATGCTGTATGTAGGAAAGCAGGAACATCAGATAAATTCTAGT-3'
Protein context (NP_036602.1, residues 808-828): ANDHEEDFEL[Arg818Trp]KELIGQVMNQ

ClinVar aggregate classification (germline): Uncertain significance. Review status: criteria provided, multiple submitters, no conflicts (2 of 4 stars). 3 submissions from 3 submitters: Uncertain significance (3). Last evaluated 2025-08-14.

Conditions:
Inborn genetic diseases. Identifiers: MedGen C0950123, MeSH D030342.
Autosomal dominant limb-girdle muscular dystrophy type 1F (LGMDD2). Also called: MUSCULAR DYSTROPHY, LIMB-GIRDLE, AUTOSOMAL DOMINANT 2; Limb-girdle muscular dystrophy, type 1F. Identifiers: Orphanet 55595, MedGen C1842062, MONDO:0012034, OMIM 608423.

Allele frequency attached by ClinVar (database versions not stated): gnomAD exomes 0.00001; TOPMed 0.00001; gnomAD 0.00003.
gnomAD v4.1: 17 of 1,601,766 alleles (0.0011%); highest among the groups gnomAD compares: South Asian, 0.0033%; no homozygotes.

Submissions (3):

Ambry Genetics
Classification: Uncertain significance for Inborn genetic diseases. Last evaluated: 2025-08-14. Review status: criteria provided, single submitter. Criteria: Ambry Variant Classification Scheme 2023. Collection method: clinical testing. Allele origin: germline.

Labcorp Genetics (formerly Invitae), Labcorp
Classification: Uncertain significance for Autosomal dominant limb-girdle muscular dystrophy type 1F. Last evaluated: 2022-11-28. Review status: criteria provided, single submitter. Criteria: Invitae Variant Classification Sherloc (09022015). Collection method: clinical testing. Allele origin: germline.
Comment: In summary, the available evidence is currently insufficient to determine the role of this variant in disease. Therefore, it has been classified as a Variant of Uncertain Significance. Algorithms developed to predict the effect of missense changes on protein structure and function are either unavailable or do not agree on the potential impact of this missense change (SIFT: "Deleterious"; PolyPhen-2: "Probably Damaging"; Align-GVGD: "Class C15"). ClinVar contains an entry for this variant (Variation ID: 499013). This variant has not been reported in the literature in individuals affected with TNPO3-related conditions. This sequence change replaces arginine, which is basic and polar, with tryptophan, which is neutral and slightly polar, at codon 818 of the TNPO3 protein (p.Arg818Trp). This variant is present in population databases (rs570772653, gnomAD 0.007%).

Eurofins Ntd Llc (ga)
Classification: Uncertain significance. Last evaluated: 2017-01-17. Review status: criteria provided, single submitter. Criteria: EGL Classification Definitions 2015. Collection method: clinical testing. Allele origin: germline. Observed: 1 variant allele, 1 heterozygote.